The following is an entry in ClinVar:

NM_000435.3(NOTCH3):c.1567G>A (p.Val523Met)

Gene: NOTCH3 (notch receptor 3; minus strand). Cytogenetic location: 19p13.12.
Variant type: single nucleotide variant.
Coding change: c.1567G>A on transcript NM_000435.3 (MANE Select); coding-DNA position 1567, G replaced by A.
Protein change: p.Val523Met; replaces valine 523 with methionine.
Molecular consequence: missense variant.
Genome position (GRCh38, 1-based): chr19:15,187,920, C>T on the plus strand (G>A on the coding strand, the complement: NOTCH3 is on the minus strand). VCF-style: chr19-15187920-C-T. GRCh37 (hg19) VCF-style: chr19-15298731-C-T.
Other names: p.Val523Met; short protein forms V523M.
Identifiers: ClinVar variation 892109 (VCV000892109.38), dbSNP rs564452430, ClinGen allele CA9263612.
Genomic context (GRCh38, chr19:15,187,920, plus strand): 5'-ACTGTCATTGGCCCGCCTCACCCTCGGCACAGCGGCACTCGTAGCCATCGGGCTGGTCCA[C>T]GCATTTGGCGCCATTCCTGCAGGGCGTGCTGGCGCATTCGTCCACGTCCAGCTGACACGT-3'
Protein context (NP_000426.2, residues 513-533): STPCRNGAKC[Val523Met]DQPDGYECRC

ClinVar aggregate classification (germline): Conflicting classifications of pathogenicity. Review status: criteria provided, conflicting classifications (1 of 4 stars). 8 submissions from 8 submitters: Uncertain significance (4); Benign (2); Likely benign (2). Last evaluated 2026-04-21.

Conditions:
Inborn genetic diseases. Identifiers: MedGen C0950123, MeSH D030342.
Cerebral arteriopathy, autosomal dominant, with subcortical infarcts and leukoencephalopathy, type 1 (CADASIL1). Also called: CADASIL 1; DEMENTIA, HEREDITARY MULTIINFARCT TYPE; CASIL; Cerebral arteriopathy with subcortical infarcts and leukoencephalopathy 1. Identifiers: Orphanet 136, MedGen C4551768, MONDO:0000914, OMIM 125310.
NOTCH3-related disorder. Also called: NOTCH3-related disorders; NOTCH3-related condition.

Allele frequency attached by ClinVar (database versions not stated): gnomAD 0.00005; TOPMed 0.00005; ExAC 0.00010; 1000 Genomes Project 30x 0.00016; 1000 Genomes Project 0.00040.
gnomAD v4.1: 42 of 1,550,024 alleles (0.0027%); highest among the groups gnomAD compares: African/African-American, 0.0082%; no homozygotes.

Submissions (8):

Women's Health and Genetics/Laboratory Corporation of America, LabCorp
Classification: Uncertain significance. Last evaluated: 2026-04-21. Review status: criteria provided, single submitter. Criteria: LabCorp Variant Classification Summary - May 2015. Collection method: clinical testing. Allele origin: germline.
Comment: Variant summary: NOTCH3 c.1567G>A (p.Val523Met) results in a conservative amino acid change in the encoded protein sequence. Algorithms developed to predict the effect of missense changes on protein structure and function are either unavailable or do not agree on the potential impact of this missense change. The variant allele was found at a frequency of 5.1e-05 in 155876 control chromosomes. The available data on variant occurrences in the general population are insufficient to allow any conclusion about variant significance. To our knowledge, no occurrence of c.1567G>A in individuals affected with NOTCH3-related conditions and no experimental evidence demonstrating its impact on protein function have been reported. ClinVar contains an entry for this variant (Variation ID: 892109). Based on the evidence outlined above, the variant was classified as uncertain significance.

Labcorp Genetics (formerly Invitae), Labcorp
Classification: Benign. Last evaluated: 2026-01-19. Review status: criteria provided, single submitter. Criteria: Invitae Variant Classification Sherloc (09022015). Collection method: clinical testing. Allele origin: germline.

PreventionGenetics, part of Exact Sciences
Classification: Likely benign for NOTCH3-related condition. Last evaluated: 2024-11-05. Review status: criteria provided, single submitter. Criteria: ACMG Guidelines, 2015. Collection method: clinical testing. Allele origin: germline.
Comment: This variant is classified as likely benign based on ACMG/AMP sequence variant interpretation guidelines (Richards et al. 2015 PMID: 25741868, with internal and published modifications).

Athena Diagnostics
Classification: Uncertain significance. Last evaluated: 2023-12-15. Review status: criteria provided, single submitter. Criteria: Athena Diagnostics Criteria. Collection method: clinical testing. Allele origin: unknown.
Comment: Available data are insufficient to determine the clinical significance of the variant at this time. The frequency of this variant in the general population is higher than would generally be expected for pathogenic variants in this gene. Computational tools predict that this variant is damaging. Greater than 90% of NOTCH3 pathogenic variants associated with CADASIL involve the gain or loss of a cysteine residue within the epidermal growth factor (EGF)-like repeat domain (PMID: 32457593, 20301673).

CeGaT Center for Human Genetics Tuebingen
Classification: Likely benign. Last evaluated: 2023-09-01. Review status: criteria provided, single submitter. Criteria: CeGaT Center For Human Genetics Tuebingen Variant Classification Criteria Version 2. Collection method: clinical testing. Allele origin: germline. Affected: yes. Observed: 1 variant allele.
Comment: NOTCH3: BS2

Mayo Clinic Laboratories, Mayo Clinic
Classification: Uncertain significance. Last evaluated: 2023-06-21. Review status: criteria provided, single submitter. Criteria: ACMG Guidelines, 2015. Collection method: clinical testing. Allele origin: germline. Observed: 1 variant allele.
Comment: BP1

Ambry Genetics
Classification: Uncertain significance for Inborn genetic diseases. Last evaluated: 2023-01-31. Review status: criteria provided, single submitter. Criteria: Ambry Variant Classification Scheme 2023. Collection method: clinical testing. Allele origin: germline.

Illumina Laboratory Services, Illumina
Classification: Benign for Cerebral arteriopathy, autosomal dominant, with subcortical infarcts and leukoencephalopathy, type 1. Last evaluated: 2018-01-12. Review status: criteria provided, single submitter. Criteria: ICSL Variant Classification Criteria 13 December 2019. Collection method: clinical testing. Allele origin: germline.
Comment: This variant was observed in the ICSL laboratory as part of a predisposition screen in an ostensibly healthy population. It had not been previously curated by ICSL or reported in the Human Gene Mutation Database (HGMD: prior to June 1st, 2018), and was therefore a candidate for classification through an automated scoring system. Utilizing variant allele frequency, disease prevalence and penetrance estimates, and inheritance mode, an automated score was calculated to assess if this variant is too frequent to cause the disease. Based on the score and internal cut-off values, a variant classified as benign is not then subjected to further curation. The score for this variant resulted in a classification of benign for this disease.